The following is an entry in ClinVar:

NM_000535.7(PMS2):c.164-16A>G

Gene: PMS2 (PMS1 homolog 2, mismatch repair system component; minus strand). Cytogenetic location: 7p22.1.
Variant type: single nucleotide variant.
Coding change: c.164-16A>G on transcript NM_000535.7 (MANE Select); 16 bases into the intron before coding-DNA position 164, A replaced by G.
Molecular consequence: intron variant.
Genome position (GRCh38, 1-based): chr7:6,004,074, T>C on the plus strand (A>G on the coding strand, the complement: PMS2 is on the minus strand). VCF-style: chr7-6004074-T-C. GRCh37 (hg19) VCF-style: chr7-6043705-T-C.
Other names: c.-52-16A>G (NM_001322008.2, NM_001322007.2); c.-242-16A>G (NM_001322010.2, NM_001322004.2, NM_001322013.2 and 3 more transcripts); c.-721-16A>G (NM_001322012.2, NM_001322011.2); c.-321-16A>G (NM_001322015.2); c.164-16A>G (NM_001322006.2, NM_001322014.2).
Identifiers: ClinVar variation 388400 (VCV000388400.13), dbSNP rs887187101, ClinGen allele CA16605869.
Genomic context (GRCh38, chr7:6,004,074, plus strand): 5'-CTGAAACTTCAATAAGATCCACTCCATAGTCCTTAAGCTTTAGATCTAGAAAGTTTAAAA[T>C]ATTTACATATTTATTAAAAACGGACCCATGCTATCAGTTTTTATATTGACATTATTTATA-3'

ClinVar aggregate classification (germline): Likely benign. Review status: criteria provided, multiple submitters, no conflicts (2 of 4 stars). 5 submissions from 5 submitters: Likely benign (5). Last evaluated 2026-01-07.

Conditions:
Hereditary nonpolyposis colorectal neoplasms. Identifiers: MedGen C0009405, MeSH D003123.
Hereditary cancer-predisposing syndrome. Also called: Tumor predisposition; Neoplastic Syndromes, Hereditary; Hereditary neoplastic syndrome; Hereditary Cancer Syndrome. Identifiers: Orphanet 140162, MedGen C0027672, MeSH D009386, MONDO:0015356.
Lynch syndrome 4 (LYNCH4). Also called: Colorectal cancer, hereditary nonpolyposis, type 4; Hereditary non-polyposis colorectal cancer, type 4. Identifiers: Orphanet 144, MedGen C1838333, MONDO:0013699, OMIM 614337. Disease mechanism: loss of function.

Allele frequency attached by ClinVar (database versions not stated): gnomAD exomes 0.00001; gnomAD 0.00003 and 0.00004; TOPMed 0.00004.
gnomAD v4.1: 13 of 1,346,982 alleles (0.00097%); highest among the groups gnomAD compares: African/African-American, 0.014%; no homozygotes.

Submissions (5):

Labcorp Genetics (formerly Invitae), Labcorp
Classification: Likely benign for Hereditary nonpolyposis colorectal neoplasms. Last evaluated: 2026-01-07. Review status: criteria provided, single submitter. Criteria: Invitae Variant Classification Sherloc (09022015). Collection method: clinical testing. Allele origin: germline.

Myriad Genetics, Inc.
Classification: Likely benign for Lynch syndrome 4. Last evaluated: 2025-01-23. Review status: criteria provided, single submitter. Criteria: Myriad Autosomal Dominant, Autosomal Recessive and X-Linked Classification Criteria (2023). Collection method: clinical testing. Allele origin: unknown.
Comment: This variant is considered likely benign. This variant is intronic and is not expected to impact mRNA splicing.

Blueprint Genetics
Classification: Likely benign. Last evaluated: 2024-10-04. Review status: criteria provided, single submitter. Criteria: ACMG Guidelines, 2015. Collection method: clinical testing. Allele origin: germline.

GeneDx
Classification: Likely benign. Last evaluated: 2017-04-28. Review status: criteria provided, single submitter. Criteria: GeneDx Variant Classification (06012015). Collection method: clinical testing. Allele origin: germline. Affected: yes.
Comment: This variant is considered likely benign or benign based on one or more of the following criteria: it is a conservative change, it occurs at a poorly conserved position in the protein, it is predicted to be benign by multiple in silico algorithms, and/or has population frequency not consistent with disease.

Color Diagnostics, LLC DBA Color Health
Classification: Likely benign for Hereditary cancer-predisposing syndrome. Last evaluated: 2015-11-17. Review status: criteria provided, single submitter. Criteria: ACMG Guidelines, 2015. Collection method: clinical testing. Allele origin: germline.